The following is an entry in ClinVar:

NM_000479.5(AMH):c.555G>C (p.Gln185His)

Gene: AMH (anti-Mullerian hormone; plus strand). Cytogenetic location: 19p13.3.
Variant type: single nucleotide variant.
Coding change: c.555G>C on transcript NM_000479.5 (MANE Select); coding-DNA position 555, G replaced by C.
Protein change: p.Gln185His; replaces glutamine 185 with histidine.
Molecular consequence: missense variant.
Genome position (GRCh38, 1-based): chr19:2,250,479, G>C. VCF-style: chr19-2250479-G-C. GRCh37 (hg19) VCF-style: chr19-2250478-G-C.
Other names: short protein forms Q185H.
Identifiers: ClinVar variation 4849189 (VCV004849189.1).

ClinVar aggregate classification (germline): Uncertain significance (1 of 4 stars; one submission).

Submission:

Women's Health and Genetics/Laboratory Corporation of America, LabCorp
Classification: Uncertain significance. Last evaluated: 2026-04-21. Review status: criteria provided, single submitter. Criteria: LabCorp Variant Classification Summary - May 2015. Collection method: clinical testing. Allele origin: germline.
Comment: Variant summary: AMH c.555G>C (p.Gln185His) results in a non-conservative amino acid change in the encoded protein sequence. Algorithms developed to predict the effect of missense changes on protein structure and function all suggest that this variant is likely to be disruptive. Several computational tools predict a significant impact on normal splicing: Three predict the variant abolishes a canonical 5' splicing donor site and one predicts the variant weakens a canonical 5' donor site. However, these predictions have yet to be confirmed by functional studies. The variant was absent in 152406 control chromosomes. The available data on variant occurrences in the general population are insufficient to allow any conclusion about variant significance. To our knowledge, no occurrence of c.555G>C in individuals affected with AMH-related conditions and no experimental evidence demonstrating its impact on protein function have been reported. No submitters have cited clinical-significance assessments for this variant to ClinVar. Based on the evidence outlined above, the variant was classified as uncertain significance.